The following is an entry in ClinVar:

NM_001005373.4(LRSAM1):c.993G>A (p.Thr331=)

Gene: LRSAM1 (leucine rich repeat and sterile alpha motif containing 1; plus strand). Cytogenetic location: 9q33.3.
Variant type: single nucleotide variant.
Coding change: c.993G>A on transcript NM_001005373.4 (MANE Select); coding-DNA position 993, G replaced by A.
Protein change: p.Thr331=; no amino-acid change (threonine 331 retained).
Molecular consequence: synonymous variant. On other transcripts: non-coding transcript variant (2).
Genome position (GRCh38, 1-based): chr9:127,479,928, G>A. VCF-style: chr9-127479928-G-A. GRCh37 (hg19) VCF-style: chr9-130242207-G-A.
Other names: c.993G>A (NM_138361.4); c.993G>A, p.Thr331= (NM_001005374.4, NM_001190723.3, NM_001384142.1 and 2 more transcripts); c.204G>A, p.Thr68= (NM_001384144.1).
Identifiers: ClinVar variation 510515 (VCV000510515.47), dbSNP rs368674859, ClinGen allele CA5246781.

ClinVar aggregate classification (germline): Likely benign. Review status: criteria provided, multiple submitters, no conflicts (2 of 4 stars). 4 submissions from 4 submitters: Likely benign (4). Last evaluated 2024-12-11.

Conditions:
Charcot-Marie-Tooth disease axonal type 2P. Also called: Charcot-Marie-Tooth Neuropathy Type 2G; CHARCOT-MARIE-TOOTH DISEASE, AXONAL, TYPE 2G; CMT 2G; CHARCOT-MARIE-TOOTH NEUROPATHY, TYPE 2P. Identifiers: Orphanet 300319, Orphanet 99941, MedGen C3280797, MONDO:0013753, OMIM 614436.
Inborn genetic diseases. Identifiers: MedGen C0950123, MeSH D030342.

Allele frequency attached by ClinVar (database versions not stated): gnomAD exomes 0.00004 and 0.00005; ExAC 0.00007; gnomAD 0.00009; TOPMed 0.00012; ESP Exome Variant Server 0.00015.
gnomAD v4.1: 81 of 1,614,046 alleles (0.005%); highest among the groups gnomAD compares: African/African-American, 0.028%; no homozygotes.

Submissions (4):

Labcorp Genetics (formerly Invitae), Labcorp
Classification: Likely benign for Charcot-Marie-Tooth disease axonal type 2P. Last evaluated: 2024-12-11. Review status: criteria provided, single submitter. Criteria: Invitae Variant Classification Sherloc (09022015). Collection method: clinical testing. Allele origin: germline.

CeGaT Center for Human Genetics Tuebingen
Classification: Likely benign. Last evaluated: 2022-05-01. Review status: criteria provided, single submitter. Criteria: CeGaT Center For Human Genetics Tuebingen Variant Classification Criteria Version 2. Collection method: clinical testing. Allele origin: germline. Affected: yes. Observed: 1 variant allele.
Comment: LRSAM1: BP4, BP7

GeneDx
Classification: Likely benign. Last evaluated: 2021-04-28. Review status: criteria provided, single submitter. Criteria: GeneDx Variant Classification Process June 2021. Collection method: clinical testing. Allele origin: germline. Affected: yes.

Ambry Genetics
Classification: Likely benign for Inborn genetic diseases. Last evaluated: 2019-07-11. Review status: criteria provided, single submitter. Criteria: Ambry Variant Classification Scheme 2023. Collection method: clinical testing. Allele origin: germline.